The following is an entry in ClinVar:

NM_018163.3(DNAJC17):c.106C>T (p.Leu36Phe)

Gene: DNAJC17 (DnaJ heat shock protein family (Hsp40) member C17; minus strand). Cytogenetic location: 15q15.1.
Variant type: single nucleotide variant.
Coding change: c.106C>T on transcript NM_018163.3 (MANE Select); coding-DNA position 106, C replaced by T.
Protein change: p.Leu36Phe; replaces leucine 36 with phenylalanine.
Molecular consequence: missense variant.
Genome position (GRCh38, 1-based): chr15:40,779,970, G>A on the plus strand (C>T on the coding strand, the complement: DNAJC17 is on the minus strand). VCF-style: chr15-40779970-G-A. GRCh37 (hg19) VCF-style: chr15-41072168-G-A.
Other names: c.106C>T (NM_018163.2); short protein forms L36F.
Identifiers: ClinVar variation 1968386 (VCV001968386.6), dbSNP rs929683794, ClinGen allele CA268857796.

ClinVar aggregate classification (germline): Uncertain significance. Review status: criteria provided, multiple submitters, no conflicts (2 of 4 stars). 2 submissions from 2 submitters: Uncertain significance (2). Last evaluated 2025-10-26.

Allele frequency attached by ClinVar (database versions not stated): gnomAD exomes below 0.00001; TOPMed 0.00001.
gnomAD v4.1: 5 of 1,614,008 alleles (0.00031%); highest among the groups gnomAD compares: African/African-American, 0.0053%; no homozygotes.

Submissions (2):

Labcorp Genetics (formerly Invitae), Labcorp
Classification: Uncertain significance. Last evaluated: 2025-10-26. Review status: criteria provided, single submitter. Criteria: Invitae Variant Classification Sherloc (09022015). Collection method: clinical testing. Allele origin: germline.
Comment: This sequence change replaces leucine, which is neutral and non-polar, with phenylalanine, which is neutral and non-polar, at codon 36 of the DNAJC17 protein (p.Leu36Phe). This variant is present in population databases (no rsID available, gnomAD 0.01%). This variant has not been reported in the literature in individuals affected with DNAJC17-related conditions. ClinVar contains an entry for this variant (Variation ID: 1968386). An algorithm developed to predict the effect of missense changes on protein structure and function (PolyPhen-2) suggests that this variant is likely to be disruptive. In summary, the available evidence is currently insufficient to determine the role of this variant in disease. Therefore, it has been classified as a Variant of Uncertain Significance.

Ambry Genetics
Classification: Uncertain significance. Last evaluated: 2024-03-07. Review status: criteria provided, single submitter. Criteria: Ambry Variant Classification Scheme 2023. Collection method: clinical testing. Allele origin: germline.